The following is an entry in ClinVar:

NM_000138.5(FBN1):c.-3A>C

Gene: FBN1 (fibrillin 1; minus strand). Cytogenetic location: 15q21.1.
Variant type: single nucleotide variant.
Coding change: c.-3A>C on transcript NM_000138.5 (MANE Select); 3 bases upstream of the start codon, A replaced by C.
Molecular consequence: 5 prime UTR variant.
Genome position (GRCh38, 1-based): chr15:48,644,772, T>G on the plus strand (A>C on the coding strand, the complement: FBN1 is on the minus strand). VCF-style: chr15-48644772-T-G. GRCh37 (hg19) VCF-style: chr15-48936969-T-G.
Identifiers: ClinVar variation 516981 (VCV000516981.2), dbSNP rs1555407435, ClinGen allele CA658798380.
Genomic context (GRCh38, chr15:48,644,772, plus strand): 5'-AGGACGCTAAAAGCACGGTAAATCCCAGGGCGATCTCCAGCAGACGCCCTCGACGCATGA[T>G]GCCGAGCCGCCACCGGCTCCCGCCGCCTCTTGCCGCGCCCGGGGCTCGGTCTGCGGCCGC-3'

ClinVar aggregate classification (germline): Likely benign. Review status: criteria provided, multiple submitters, no conflicts (2 of 4 stars). 2 submissions from 2 submitters: Likely benign (2). Last evaluated 2025-06-18.

Conditions:
FBN1-related disorder. Also called: FBN1-related disorders.

Submissions (2):

PreventionGenetics, part of Exact Sciences
Classification: Likely benign for FBN1-related condition. Last evaluated: 2025-06-18. Review status: criteria provided, single submitter. Criteria: ACMG Guidelines, 2015. Collection method: clinical testing. Allele origin: germline.
Comment: This variant is classified as likely benign based on ACMG/AMP sequence variant interpretation guidelines (Richards et al. 2015 PMID: 25741868, with internal and published modifications).

GeneDx
Classification: Likely benign. Last evaluated: 2017-05-02. Review status: criteria provided, single submitter. Criteria: GeneDx Variant Classification (06012015). Collection method: clinical testing. Allele origin: germline. Affected: yes.
Comment: This variant is considered likely benign or benign based on one or more of the following criteria: it is a conservative change, it occurs at a poorly conserved position in the protein, it is predicted to be benign by multiple in silico algorithms, and/or has population frequency not consistent with disease.